The following is an entry in ClinVar:

NM_203447.4(DOCK8):c.6197C>T (p.Pro2066Leu)

Gene: DOCK8 (dedicator of cytokinesis 8; plus strand). Cytogenetic location: 9p24.3.
Variant type: single nucleotide variant.
Coding change: c.6197C>T on transcript NM_203447.4 (MANE Select); coding-DNA position 6197, C replaced by T.
Protein change: p.Pro2066Leu; replaces proline 2066 with leucine.
Molecular consequence: missense variant.
Genome position (GRCh38, 1-based): chr9:463,645, C>T. VCF-style: chr9-463645-C-T. GRCh37 (hg19) VCF-style: chr9-463645-C-T.
Other names: c.5897C>T, p.Pro1966Leu (NM_001190458.2); c.5993C>T, p.Pro1998Leu (NM_001193536.2); short protein forms P1998L, P2066L, P1966L.
Identifiers: ClinVar variation 4700744 (VCV004700744.1).

ClinVar aggregate classification (germline): Uncertain significance (1 of 4 stars; one submission).

Conditions:
Combined immunodeficiency due to DOCK8 deficiency (HIES2). Also called: HYPER-IgE SYNDROME 2, AUTOSOMAL RECESSIVE, WITH RECURRENT INFECTIONS; HIES autosomal recessive; Hyper-IgE recurrent infection syndrome, autosomal recessive; HYPER-IgE RECURRENT INFECTION SYNDROME 2, AUTOSOMAL RECESSIVE; DOCK8 Deficiency. Identifiers: Orphanet 217390, MedGen C4722305, MONDO:0009478, OMIM 243700.

gnomAD v4.1: 2 of 1,613,652 alleles (0.00012%); highest among the groups gnomAD compares: Non-Finnish European, 0.00017%; no homozygotes.

Submission:

Labcorp Genetics (formerly Invitae), Labcorp
Classification: Uncertain significance for Combined immunodeficiency due to DOCK8 deficiency. Last evaluated: 2025-04-14. Review status: criteria provided, single submitter. Criteria: Invitae Variant Classification Sherloc (09022015). Collection method: clinical testing. Allele origin: germline.
Comment: This sequence change replaces proline, which is neutral and non-polar, with leucine, which is neutral and non-polar, at codon 2066 of the DOCK8 protein (p.Pro2066Leu). This variant is not present in population databases (gnomAD no frequency). This variant has not been reported in the literature in individuals affected with DOCK8-related conditions. Invitae Evidence Modeling of protein sequence and biophysical properties (such as structural, functional, and spatial information, amino acid conservation, physicochemical variation, residue mobility, and thermodynamic stability) indicates that this missense variant is not expected to disrupt DOCK8 protein function with a negative predictive value of 80%. In summary, the available evidence is currently insufficient to determine the role of this variant in disease. Therefore, it has been classified as a Variant of Uncertain Significance.